The following is an entry in ClinVar:

NM_001080449.3(DNA2):c.441+15C>T

Gene: DNA2 (DNA replication helicase/nuclease 2; minus strand). Cytogenetic location: 10q21.3.
Variant type: single nucleotide variant.
Coding change: c.441+15C>T on transcript NM_001080449.3 (MANE Select); 15 bases into the intron after coding-DNA position 441, C replaced by T.
Molecular consequence: intron variant.
Genome position (GRCh38, 1-based): chr10:68,468,108, G>A on the plus strand (C>T on the coding strand, the complement: DNA2 is on the minus strand). VCF-style: chr10-68468108-G-A. GRCh37 (hg19) VCF-style: chr10-70227865-G-A.
Identifiers: ClinVar variation 516784 (VCV000516784.10), dbSNP rs558303170, ClinGen allele CA5525301.

ClinVar aggregate classification (germline): Benign/Likely benign. Review status: criteria provided, multiple submitters, no conflicts (2 of 4 stars). 3 submissions from 3 submitters: Benign (1); Likely benign (2). Last evaluated 2026-01-19.

Allele frequency attached by ClinVar (database versions not stated): gnomAD 0.00001 and 0.00028; TOPMed 0.00006; gnomAD exomes 0.00043 and 0.00088; ExAC 0.00122; 1000 Genomes Project 0.00200; 1000 Genomes Project 30x 0.00219.
gnomAD v4.1: 641 of 1,530,750 alleles (0.042%); highest among the groups gnomAD compares: South Asian, 0.8%; 8 homozygotes.

Submissions (3):

Labcorp Genetics (formerly Invitae), Labcorp
Classification: Benign. Last evaluated: 2026-01-19. Review status: criteria provided, single submitter. Criteria: Invitae Variant Classification Sherloc (09022015). Collection method: clinical testing. Allele origin: germline.

Blueprint Genetics
Classification: Likely benign. Last evaluated: 2024-10-23. Review status: criteria provided, single submitter. Criteria: ACMG Guidelines, 2015. Collection method: clinical testing. Allele origin: germline.

GeneDx
Classification: Likely benign. Last evaluated: 2017-08-08. Review status: criteria provided, single submitter. Criteria: GeneDx Variant Classification (06012015). Collection method: clinical testing. Allele origin: germline. Affected: yes.
Comment: This variant is considered likely benign or benign based on one or more of the following criteria: it is a conservative change, it occurs at a poorly conserved position in the protein, it is predicted to be benign by multiple in silico algorithms, and/or has population frequency not consistent with disease.